The following is an entry in ClinVar:

ClinVar aggregate classification (germline): Benign. Review status: criteria provided, multiple submitters, no conflicts (2 of 4 stars). 9 submissions from 8 submitters: Benign (6). 3 of the submissions do not count toward it. Last evaluated 2026-02-03.

Conditions:
Emery-Dreifuss muscular dystrophy 4, autosomal dominant (EDMD4). Also called: EMERY-DREIFUSS MUSCULAR DYSTROPHY 4 WITH VARIABLE FEATURES. Identifiers: Orphanet 261, MedGen C2751807, MONDO:0013071, OMIM 612998.
Autosomal recessive ataxia, Beauce type. Also called: SYNE1-Related Autosomal Recessive Cerebellar Ataxia; ATAXIA, RECESSIVE, OF BEAUCE; Spinocerebellar ataxia, autosomal recessive 8; SYNE1 Deficiency. Identifiers: Orphanet 88644, MedGen C1853116, MONDO:0012549, OMIM 610743.

Allele frequency attached by ClinVar (database versions not stated): 1000 Genomes Project 30x 0.03904; TOPMed 0.04822; 1000 Genomes Project 0.03654; ESP Exome Variant Server 0.04952.
gnomAD v4.1: 67,162 of 1,614,170 alleles (4.2%); highest among the groups gnomAD compares: African/African-American, 6.2%; 1,608 homozygotes.

Submissions (9):

Labcorp Genetics (formerly Invitae), Labcorp
Classification: Benign for Emery-Dreifuss muscular dystrophy 4, autosomal dominant; Autosomal recessive ataxia, Beauce type. Last evaluated: 2026-02-03. Review status: criteria provided, single submitter. Criteria: Invitae Variant Classification Sherloc (09022015). Collection method: clinical testing. Allele origin: germline.

Mayo Clinic Laboratories, Mayo Clinic
Classification: Benign. Last evaluated: 2018-05-08. Review status: criteria provided, single submitter. Criteria: ACMG Guidelines, 2015. Collection method: clinical testing. Allele origin: germline. Observed: 92 variant alleles.

Illumina Laboratory Services, Illumina
Classification: Benign for Emery-Dreifuss muscular dystrophy 4, autosomal dominant. Last evaluated: 2018-01-13. Review status: criteria provided, single submitter. Criteria: ICSL Variant Classification Criteria 13 December 2019. Collection method: clinical testing. Allele origin: germline.
Comment: This variant was observed in the ICSL laboratory as part of a predisposition screen in an ostensibly healthy population. It had not been previously curated by ICSL or reported in the Human Gene Mutation Database (HGMD: prior to June 1st, 2018), and was therefore a candidate for classification through an automated scoring system. Utilizing variant allele frequency, disease prevalence and penetrance estimates, and inheritance mode, an automated score was calculated to assess if this variant is too frequent to cause the disease. Based on the score and internal cut-off values, a variant classified as benign is not then subjected to further curation. The score for this variant resulted in a classification of benign for this disease.

Illumina Laboratory Services, Illumina
Classification: Benign for Autosomal recessive ataxia, Beauce type. Last evaluated: 2018-01-13. Review status: criteria provided, single submitter. Criteria: ICSL Variant Classification Criteria 13 December 2019. Collection method: clinical testing. Allele origin: germline.
Comment: the same text as in the submission from Illumina Laboratory Services, Illumina above.

GeneDx
Classification: Benign. Last evaluated: 2016-02-04. Review status: criteria provided, single submitter. Criteria: GeneDx Variant Classification (06012015). Collection method: clinical testing. Allele origin: germline. Affected: yes.
Comment: This variant is considered likely benign or benign based on one or more of the following criteria: it is a conservative change, it occurs at a poorly conserved position in the protein, it is predicted to be benign by multiple in silico algorithms, and/or has population frequency not consistent with disease.

PreventionGenetics, part of Exact Sciences
Classification: Benign. Review status: criteria provided, single submitter. Criteria: ACMG Guidelines, 2015. Collection method: clinical testing. Allele origin: germline.

Clinical Genetics DNA and cytogenetics Diagnostics Lab, Erasmus MC, Erasmus Medical Center
Classification: Benign. Review status: no assertion criteria provided. Collection method: clinical testing. Allele origin: germline. Affected: yes. Study: VKGL Data-share Consensus. Not counted in ClinVar's aggregate classification.

Clinical Genetics, Academic Medical Center
Classification: Benign. Review status: no assertion criteria provided. Collection method: clinical testing. Allele origin: germline. Affected: yes. Study: VKGL Data-share Consensus. Not counted in ClinVar's aggregate classification.

Genetic Services Laboratory, University of Chicago
Classification: Likely benign for AllHighlyPenetrant. Review status: no assertion criteria provided. Collection method: clinical testing. Allele origin: germline. Inheritance: Autosomal dominant inheritance. Not counted in ClinVar's aggregate classification.
Comment: Likely benign based on allele frequency in 1000 Genomes Project or ESP global frequency and its presence in a patient with a rare or unrelated disease phenotype. NOT Sanger confirmed.

NM_182961.4(SYNE1):c.24225A>G (p.Ala8075=)

Gene: SYNE1 (spectrin repeat containing nuclear envelope protein 1; minus strand). Cytogenetic location: 6q25.2.
Variant type: single nucleotide variant.
Coding change: c.24225A>G on transcript NM_182961.4 (MANE Select); coding-DNA position 24225, A replaced by G.
Protein change: p.Ala8075=; no amino-acid change (alanine 8075 retained).
Molecular consequence: synonymous variant.
Genome position (GRCh38, 1-based): chr6:152,152,046, T>C on the plus strand (A>G on the coding strand, the complement: SYNE1 is on the minus strand). VCF-style: chr6-152152046-T-C. GRCh37 (hg19) VCF-style: chr6-152473181-T-C.
Other names: p.Ala8004=; c.831A>G, p.Ala277= (NM_001347701.2); c.690A>G, p.Ala230= (NM_001347702.2); c.24012A>G, p.Ala8004= (NM_033071.5).
Identifiers: ClinVar variation 130425 (VCV000130425.23), dbSNP rs910415, ClinGen allele CA155422.